The following is an entry in ClinVar:

ClinVar aggregate classification (germline): Benign/Likely benign. Review status: criteria provided, multiple submitters, no conflicts (2 of 4 stars). 2 submissions from 2 submitters: Benign (1); Likely benign (1). Last evaluated 2025-11-19.

Conditions:
Palmoplantar keratoderma, epidermolytic. Also called: Localized epidermolytic hyperkeratosis. Identifiers: MedGen C1721006, MONDO:0968949, HP:0007559.

Allele frequency attached by ClinVar (database versions not stated): ExAC 0.00105; 1000 Genomes Project 0.00240; ESP Exome Variant Server 0.00346; gnomAD 0.00437 and 0.00480; TOPMed 0.00465; gnomAD exomes 0.00042 and 0.00091.
gnomAD v4.1: 1,294 of 1,614,094 alleles (0.08%); highest among the groups gnomAD compares: African/African-American, 1.6%; 10 homozygotes.

Submissions (2):

Labcorp Genetics (formerly Invitae), Labcorp
Classification: Benign. Last evaluated: 2025-11-19. Review status: criteria provided, single submitter. Criteria: Invitae Variant Classification Sherloc (09022015). Collection method: clinical testing. Allele origin: germline.

Illumina Laboratory Services, Illumina
Classification: Likely benign for Epidermolytic palmoplantar keratoderma, 1. Last evaluated: 2018-01-12. Review status: criteria provided, single submitter. Criteria: ICSL Variant Classification Criteria 13 December 2019. Collection method: clinical testing. Allele origin: germline.
Comment: This variant was observed in the ICSL laboratory as part of a predisposition screen in an ostensibly healthy population. It had not been previously curated by ICSL or reported in the Human Gene Mutation Database (HGMD: prior to June 1st, 2018), and was therefore a candidate for classification through an automated scoring system. Utilizing variant allele frequency, disease prevalence and penetrance estimates, and inheritance mode, an automated score was calculated to assess if this variant is too frequent to cause the disease. Based on the score and internal cut-off values, a variant classified as likely benign is not then subjected to further curation. The score for this variant resulted in a classification of likely benign for this disease.

NM_000226.4(KRT9):c.1395-13C>T

Gene: KRT9 (keratin 9; minus strand). Cytogenetic location: 17q21.2.
Variant type: single nucleotide variant.
Coding change: c.1395-13C>T on transcript NM_000226.4 (MANE Select); 13 bases into the intron before coding-DNA position 1395, C replaced by T.
Molecular consequence: intron variant.
Genome position (GRCh38, 1-based): chr17:41,567,763, G>A on the plus strand (C>T on the coding strand, the complement: KRT9 is on the minus strand). VCF-style: chr17-41567763-G-A. GRCh37 (hg19) VCF-style: chr17-39724015-G-A.
Identifiers: ClinVar variation 323122 (VCV000323122.13), dbSNP rs187834511, ClinGen allele CA8561941.